The following is an entry in ClinVar:

NM_004104.5(FASN):c.705G>A (p.Lys235=)

Gene: FASN (fatty acid synthase; minus strand). Cytogenetic location: 17q25.3.
Variant type: single nucleotide variant.
Coding change: c.705G>A on transcript NM_004104.5 (MANE Select); coding-DNA position 705, G replaced by A.
Protein change: p.Lys235=; no amino-acid change (lysine 235 retained).
Molecular consequence: synonymous variant.
Genome position (GRCh38, 1-based): chr17:82,092,970, C>T on the plus strand (G>A on the coding strand, the complement: FASN is on the minus strand). VCF-style: chr17-82092970-C-T. GRCh37 (hg19) VCF-style: chr17-80050846-C-T.
Identifiers: ClinVar variation 3046549 (VCV003046549.2), dbSNP rs2509845300, ClinGen allele CA502433682.

ClinVar aggregate classification (germline): Likely benign (0 of 4 stars; one submission).

Conditions:
FASN-related disorder. Also called: FASN-related condition.

Submission:

PreventionGenetics, part of Exact Sciences
Classification: Likely benign for FASN-related condition. Last evaluated: 2019-04-26. Review status: no assertion criteria provided. Collection method: clinical testing. Allele origin: germline.
Comment: This variant is classified as likely benign based on ACMG/AMP sequence variant interpretation guidelines (Richards et al. 2015 PMID: 25741868, with internal and published modifications).